The following is an entry in ClinVar:

ClinVar aggregate classification (germline): Uncertain significance (1 of 4 stars; one submission).

gnomAD v4.1: 3 of 1,607,596 alleles (0.00019%); highest among the groups gnomAD compares: South Asian, 0.0033%; no homozygotes.

Submission:

Labcorp Genetics (formerly Invitae), Labcorp
Classification: Uncertain significance. Last evaluated: 2025-11-12. Review status: criteria provided, single submitter. Criteria: Invitae Variant Classification Sherloc (09022015). Collection method: clinical testing. Allele origin: germline.
Comment: This sequence change replaces alanine, which is neutral and non-polar, with threonine, which is neutral and polar, at codon 738 of the PTPN23 protein (p.Ala738Thr). The frequency data for this variant in the population databases is considered unreliable, as metrics indicate poor data quality at this position in the gnomAD database. This variant has not been reported in the literature in individuals affected with PTPN23-related conditions. An algorithm developed to predict the effect of missense changes on protein structure and function outputs the following: PolyPhen-2: "Not Available". The threonine amino acid residue is found in multiple mammalian species, which suggests that this missense change does not adversely affect protein function. In summary, the available evidence is currently insufficient to determine the role of this variant in disease. Therefore, it has been classified as a Variant of Uncertain Significance.

NM_015466.4(PTPN23):c.2212G>A (p.Ala738Thr)

Gene: PTPN23 (protein tyrosine phosphatase non-receptor type 23; plus strand). Cytogenetic location: 3p21.31.
Variant type: single nucleotide variant.
Coding change: c.2212G>A on transcript NM_015466.4 (MANE Select); coding-DNA position 2212, G replaced by A.
Protein change: p.Ala738Thr; replaces alanine 738 with threonine.
Molecular consequence: missense variant.
Genome position (GRCh38, 1-based): chr3:47,410,010, G>A. VCF-style: chr3-47410010-G-A. GRCh37 (hg19) VCF-style: chr3-47451500-G-A.
Other names: c.1834G>A, p.Ala612Thr (NM_001304482.2); short protein forms A612T, A738T.
Identifiers: ClinVar variation 4798273 (VCV004798273.1).